The following is an entry in ClinVar:

ClinVar aggregate classification (germline): Uncertain significance (1 of 4 stars; one submission).

Conditions:
Developmental and epileptic encephalopathy 94 (DEE94). Also called: CHD2-Related Neurodevelopmental Disorders; Epileptic encephalopathy, childhood-onset. Identifiers: Orphanet 1942, Orphanet 2382, MedGen C3809278, MONDO:0014150, OMIM 615369.

Submission:

Labcorp Genetics (formerly Invitae), Labcorp
Classification: Uncertain significance for Developmental and epileptic encephalopathy 94. Last evaluated: 2022-12-15. Review status: criteria provided, single submitter. Criteria: Invitae Variant Classification Sherloc (09022015). Collection method: clinical testing. Allele origin: germline.
Comment: This sequence change replaces lysine, which is basic and polar, with threonine, which is neutral and polar, at codon 125 of the CHD2 protein (p.Lys125Thr). In summary, the available evidence is currently insufficient to determine the role of this variant in disease. Therefore, it has been classified as a Variant of Uncertain Significance. Advanced modeling of protein sequence and biophysical properties (such as structural, functional, and spatial information, amino acid conservation, physicochemical variation, residue mobility, and thermodynamic stability) performed at Invitae indicates that this missense variant is not expected to disrupt CHD2 protein function. This variant has not been reported in the literature in individuals affected with CHD2-related conditions. This variant is not present in population databases (gnomAD no frequency).

NM_001271.4(CHD2):c.374A>C (p.Lys125Thr)

Gene: CHD2 (chromodomain helicase DNA binding protein 2; plus strand). Cytogenetic location: 15q26.1.
Variant type: single nucleotide variant.
Coding change: c.374A>C on transcript NM_001271.4 (MANE Select); coding-DNA position 374, A replaced by C.
Protein change: p.Lys125Thr; replaces lysine 125 with threonine.
Molecular consequence: missense variant.
Genome position (GRCh38, 1-based): chr15:92,927,323, A>C. VCF-style: chr15-92927323-A-C. GRCh37 (hg19) VCF-style: chr15-93470553-A-C.
Other names: c.374A>C, p.Lys125Thr (NM_001042572.3); short protein forms K125T.
Identifiers: ClinVar variation 2806116 (VCV002806116.3), dbSNP rs2505393440, ClinGen allele CA393897028.
Genomic context (GRCh38, chr15:92,927,323, plus strand): 5'-ATGTTTATGGGGTCAGGCGGTCAAACCGAAGCAGACAAGAACCATCGCGATTTAATATTA[A>C]GGAAGAGGTAAGGAAAAAATGTTTTAAGGGCATGCATTTAAACTCCCTATCTTACTTCAT-3'
Protein context (NP_001262.3, residues 115-135): SRQEPSRFNI[Lys125Thr]EEASSGSESG